The following is an entry in ClinVar:

ClinVar aggregate classification (germline): Uncertain significance (1 of 4 stars; one submission).

Submission:

Labcorp Genetics (formerly Invitae), Labcorp
Classification: Uncertain significance. Last evaluated: 2024-10-15. Review status: criteria provided, single submitter. Criteria: Invitae Variant Classification Sherloc (09022015). Collection method: clinical testing. Allele origin: germline.
Comment: This sequence change replaces proline, which is neutral and non-polar, with serine, which is neutral and polar, at codon 459 of the SIX5 protein (p.Pro459Ser). This variant is not present in population databases (gnomAD no frequency). This variant has not been reported in the literature in individuals affected with SIX5-related conditions. Invitae Evidence Modeling of protein sequence and biophysical properties (such as structural, functional, and spatial information, amino acid conservation, physicochemical variation, residue mobility, and thermodynamic stability) indicates that this missense variant is not expected to disrupt SIX5 protein function with a negative predictive value of 80%. In summary, the available evidence is currently insufficient to determine the role of this variant in disease. Therefore, it has been classified as a Variant of Uncertain Significance.

NM_175875.5(SIX5):c.1375C>T (p.Pro459Ser)

Gene: SIX5 (SIX homeobox 5; minus strand). Cytogenetic location: 19q13.32.
Variant type: single nucleotide variant.
Coding change: c.1375C>T on transcript NM_175875.5 (MANE Select); coding-DNA position 1375, C replaced by T.
Protein change: p.Pro459Ser; replaces proline 459 with serine.
Molecular consequence: missense variant.
Genome position (GRCh38, 1-based): chr19:45,766,584, G>A on the plus strand (C>T on the coding strand, the complement: SIX5 is on the minus strand). VCF-style: chr19-45766584-G-A. GRCh37 (hg19) VCF-style: chr19-46269842-G-A.
Other names: short protein forms P459S.
Identifiers: ClinVar variation 3675399 (VCV003675399.2).
Genomic context (GRCh38, chr19:45,766,584, plus strand): 5'-CTACCTGGGGCAGGTTCAATAGTGGGGAGGTGGGGCTCAGGCCCGTGGGATACCCCGGGG[G>A]TGGGGAGAGCGGTACCACTTGTGGGGCAGCCACAGCAGGCACTGGCCCCGGGGGCAGAGG-3'
Protein context (NP_787071.3, residues 449-469): AAPQVVPLSP[Pro459Ser]PGYPTGLSPT